The following is an entry in ClinVar:

NM_016122.3(CEP83):c.1638C>T (p.Ile546=)

Gene: CEP83 (centrosomal protein 83; minus strand). Cytogenetic location: 12q22.
Variant type: single nucleotide variant.
Coding change: c.1638C>T on transcript NM_016122.3 (MANE Select); coding-DNA position 1638, C replaced by T.
Protein change: p.Ile546=; no amino-acid change (isoleucine 546 retained).
Molecular consequence: synonymous variant. On other transcripts: non-coding transcript variant (2).
Genome position (GRCh38, 1-based): chr12:94,331,769, G>A on the plus strand (C>T on the coding strand, the complement: CEP83 is on the minus strand). VCF-style: chr12-94331769-G-A. GRCh37 (hg19) VCF-style: chr12-94725545-G-A.
Other names: c.1638C>T, p.Ile546= (NM_001042399.2, NM_001346457.2, NM_001368037.1 and 1 more transcripts); c.1326C>T, p.Ile442= (NM_001346458.2, NM_001346459.2, NM_001368039.1 and 1 more transcripts); c.1413C>T, p.Ile471= (NM_001368041.1).
Identifiers: ClinVar variation 3036188 (VCV003036188.2), dbSNP rs1383807925, ClinGen allele CA481499868.

ClinVar aggregate classification (germline): Likely benign (0 of 4 stars; one submission).

Conditions:
CEP83-related disorder. Also called: CEP83-related condition.

Allele frequency attached by ClinVar (database versions not stated): gnomAD exomes below 0.00001; gnomAD 0.00001; TOPMed 0.00001.
gnomAD v4.1: 6 of 1,613,224 alleles (0.00037%); highest among the groups gnomAD compares: Non-Finnish European, 0.00051%; no homozygotes.

Submission:

PreventionGenetics, part of Exact Sciences
Classification: Likely benign for CEP83-related condition. Last evaluated: 2020-07-30. Review status: no assertion criteria provided. Collection method: clinical testing. Allele origin: germline.
Comment: This variant is classified as likely benign based on ACMG/AMP sequence variant interpretation guidelines (Richards et al. 2015 PMID: 25741868, with internal and published modifications).